The following is an entry in ClinVar:

NM_001367823.1(ARHGEF18):c.968-91C>T

Gene: ARHGEF18 (Rho/Rac guanine nucleotide exchange factor 18; plus strand). Cytogenetic location: 19p13.2.
Variant type: single nucleotide variant.
Coding change: c.968-91C>T on transcript NM_001367823.1 (MANE Select); 91 bases into the intron before coding-DNA position 968, C replaced by T.
Molecular consequence: intron variant. On other transcripts: missense variant (1), 5 prime UTR variant (1).
Genome position (GRCh38, 1-based): chr19:7,440,253, C>T. VCF-style: chr19-7440253-C-T. GRCh37 (hg19) VCF-style: chr19-7505139-C-T.
Other names: c.151C>T, p.Arg51Trp (NM_001130955.2); c.-162C>T (NM_001367824.1); c.-71-91C>T (NM_015318.4); short protein forms R51W.
Identifiers: ClinVar variation 1497812 (VCV001497812.7), dbSNP rs1218165858, ClinGen allele CA403094834.
Genomic context (GRCh38, chr19:7,440,253, plus strand): 5'-TGGAGCGAGAACGTCTTCTTGGATAACGAGCTGCTGACCTCCAAGATCCTGTCTGTGCTG[C>T]GGCCGCAGTCGGAGCGGGGCTTCCGCGCCGGGGACCTCCGCTACCCGACCCACTTTCTCA-3'

ClinVar aggregate classification (germline): Uncertain significance (1 of 4 stars; one submission).

Allele frequency attached by ClinVar (database versions not stated): gnomAD exomes below 0.00001; TOPMed below 0.00001; gnomAD 0.00001.
gnomAD v4.1: 5 of 1,553,394 alleles (0.00032%); highest among the groups gnomAD compares: Non-Finnish European, 0.00044%; no homozygotes.

Submission:

Labcorp Genetics (formerly Invitae), Labcorp
Classification: Uncertain significance. Last evaluated: 2023-08-10. Review status: criteria provided, single submitter. Criteria: Invitae Variant Classification Sherloc (09022015). Collection method: clinical testing. Allele origin: germline.
Comment: In summary, the available evidence is currently insufficient to determine the role of this variant in disease. Therefore, it has been classified as a Variant of Uncertain Significance. An algorithm developed to predict the effect of missense changes on protein structure and function (PolyPhen-2) suggests that this variant is likely to be disruptive. ClinVar contains an entry for this variant (Variation ID: 1497812). This variant has not been reported in the literature in individuals affected with ARHGEF18-related conditions. This variant is not present in population databases (gnomAD no frequency). This sequence change replaces arginine, which is basic and polar, with tryptophan, which is neutral and slightly polar, at codon 105 of the ARHGEF18 protein (p.Arg105Trp).